The following is an entry in ClinVar:

ClinVar aggregate classification (germline): Uncertain significance (1 of 4 stars; one submission).

Conditions:
Epileptic encephalopathy. Identifiers: MedGen C0543888, HP:0200134.

Submission:

Labcorp Genetics (formerly Invitae), Labcorp
Classification: Uncertain significance for Epileptic encephalopathy. Last evaluated: 2022-06-27. Review status: criteria provided, single submitter. Criteria: Invitae Variant Classification Sherloc (09022015). Collection method: clinical testing. Allele origin: germline.
Comment: In summary, the available evidence is currently insufficient to determine the role of this variant in disease. Therefore, it has been classified as a Variant of Uncertain Significance. Algorithms developed to predict the effect of sequence changes on RNA splicing suggest that this variant may create or strengthen a splice site. Algorithms developed to predict the effect of missense changes on protein structure and function are either unavailable or do not agree on the potential impact of this missense change (SIFT: "Deleterious"; PolyPhen-2: "Possibly Damaging"; Align-GVGD: "Class C0"). ClinVar contains an entry for this variant (Variation ID: 858510). This variant has not been reported in the literature in individuals affected with FASN-related conditions. This variant is not present in population databases (gnomAD no frequency). This sequence change replaces valine, which is neutral and non-polar, with glycine, which is neutral and non-polar, at codon 2005 of the FASN protein (p.Val2005Gly).

NM_004104.5(FASN):c.6014T>G (p.Val2005Gly)

Gene: FASN (fatty acid synthase; minus strand). Cytogenetic location: 17q25.3.
Variant type: single nucleotide variant.
Coding change: c.6014T>G on transcript NM_004104.5 (MANE Select); coding-DNA position 6014, T replaced by G.
Protein change: p.Val2005Gly; replaces valine 2005 with glycine.
Molecular consequence: missense variant.
Genome position (GRCh38, 1-based): chr17:82,082,158, A>C on the plus strand (T>G on the coding strand, the complement: FASN is on the minus strand). VCF-style: chr17-82082158-A-C. GRCh37 (hg19) VCF-style: chr17-80040034-A-C.
Other names: short protein forms V2005G.
Identifiers: ClinVar variation 858510 (VCV000858510.11), dbSNP rs2228306, ClinGen allele CA401534600.